The following is an entry in ClinVar:

ClinVar aggregate classification (germline): Likely benign (1 of 4 stars; one submission).

Submission:

CeGaT Center for Human Genetics Tuebingen
Classification: Likely benign. Last evaluated: 2023-08-01. Review status: criteria provided, single submitter. Criteria: CeGaT Center For Human Genetics Tuebingen Variant Classification Criteria Version 2. Collection method: clinical testing. Allele origin: germline. Affected: yes. Observed: 1 variant allele.
Comment: IQSEC1: BP4, BP7

NM_001134382.3(IQSEC1):c.2979A>C (p.Pro993=)

Gene: IQSEC1 (IQ motif and Sec7 domain ArfGEF 1; minus strand). Cytogenetic location: 3p25.2.
Variant type: single nucleotide variant.
Coding change: c.2979A>C on transcript NM_001134382.3 (MANE Select); coding-DNA position 2979, A replaced by C.
Protein change: p.Pro993=; no amino-acid change (proline 993 retained).
Molecular consequence: synonymous variant. On other transcripts: 3 prime UTR variant (1), intron variant (1).
Genome position (GRCh38, 1-based): chr3:12,901,349, T>G on the plus strand (A>C on the coding strand, the complement: IQSEC1 is on the minus strand). VCF-style: chr3-12901349-T-G. GRCh37 (hg19) VCF-style: chr3-12942848-T-G.
Other names: c.*160A>C (NM_001330619.3); c.3303A>C, p.Pro1101= (NM_001376938.2); c.2847+1424A>C (NM_014869.8).
Identifiers: ClinVar variation 2653551 (VCV002653551.24), dbSNP rs866819128, ClinGen allele CA69648675.